The following is an entry in ClinVar:

NM_001963.6(EGF):c.2300G>A (p.Cys767Tyr)

Genes: EGF (epidermal growth factor; plus strand), LOC126807134 (BRD4-independent group 4 enhancer GRCh37_chr4:110900995-110902194; plus strand). Cytogenetic location: 4q25.
Variant type: single nucleotide variant.
Coding change: c.2300G>A on transcript NM_001963.6 (MANE Select); coding-DNA position 2300, G replaced by A.
Protein change: p.Cys767Tyr; replaces cysteine 767 with tyrosine.
Molecular consequence: missense variant.
Genome position (GRCh38, 1-based): chr4:109,980,904, G>A. VCF-style: chr4-109980904-G-A. GRCh37 (hg19) VCF-style: chr4-110902060-G-A.
Other names: c.2300G>A, p.Cys767Tyr (NM_001178130.3); c.2174G>A, p.Cys725Tyr (NM_001178131.3, NM_001357021.2); short protein forms C725Y, C767Y.
Identifiers: ClinVar variation 4880991 (VCV004880991.2).

ClinVar aggregate classification (germline): Uncertain significance (1 of 4 stars; one submission).

Conditions:
Renal hypomagnesemia 4. Also called: HYPOMAGNESEMIA, RENAL, NORMOCALCIURIC. Identifiers: Orphanet 34527, MedGen C2673648, MONDO:0012717, OMIM 611718.

Submission:

Dasa
Classification: Uncertain significance for Renal hypomagnesemia 4. Last evaluated: 2025-05-24. Review status: criteria provided, single submitter. Criteria: DASA Assertion Criteria. Collection method: clinical testing. Allele origin: germline.
Comment: NM_001963.6(EGF):c.2300G>A (p.Cys767Tyr) is a missense variant that results in the substitution of cysteine with tyrosine. This variant is absent from population databases. Computational prediction algorithms are consistent with a deleterious effect. The currently available literature and clinical evidence are not sufficient to establish a definitive association between this variant and the reported condition. Therefore, this variant is classified as a variant of uncertain significance.